The following is an entry in ClinVar:

NM_033409.4(SLC52A3):c.1276C>T (p.Arg426Cys)

Gene: SLC52A3 (solute carrier family 52 member 3; minus strand). Cytogenetic location: 20p13.
Variant type: single nucleotide variant.
Coding change: c.1276C>T on transcript NM_033409.4 (MANE Select); coding-DNA position 1276, C replaced by T.
Protein change: p.Arg426Cys; replaces arginine 426 with cysteine.
Molecular consequence: missense variant.
Genome position (GRCh38, 1-based): chr20:761,160, G>A on the plus strand (C>T on the coding strand, the complement: SLC52A3 is on the minus strand). VCF-style: chr20-761160-G-A. GRCh37 (hg19) VCF-style: chr20-741804-G-A.
Other names: c.1276C>T, p.Arg426Cys (NM_001370085.1, NM_001370086.1); short protein forms R426C.
Identifiers: ClinVar variation 1020527 (VCV001020527.8), dbSNP rs780025944, ClinGen allele CA9724527.

ClinVar aggregate classification (germline): Uncertain significance (1 of 4 stars; one submission).

Conditions:
Brown-Vialetto-van Laere syndrome 1. Also called: BROWN-VIALETTO-VAN LAERE SYNDROME 1, MILD; BULBAR PALSY, PROGRESSIVE, WITH SENSORINEURAL DEAFNESS; PONTOBULBAR PALSY WITH DEAFNESS. Identifiers: Orphanet 572550, Orphanet 97229, MedGen C0796274, MONDO:0024537, OMIM 211530.

Allele frequency attached by ClinVar (database versions not stated): ExAC 0.00003; gnomAD exomes 0.00001; gnomAD 0.00003.
gnomAD v4.1: 14 of 1,580,722 alleles (0.00089%); highest among the groups gnomAD compares: Non-Finnish European, 0.0011%; no homozygotes.

Submission:

Labcorp Genetics (formerly Invitae), Labcorp
Classification: Uncertain significance for Brown-Vialetto-van Laere syndrome 1. Last evaluated: 2020-07-12. Review status: criteria provided, single submitter. Criteria: Invitae Variant Classification Sherloc (09022015). Collection method: clinical testing. Allele origin: germline.
Comment: This sequence change replaces arginine with cysteine at codon 426 of the SLC52A3 protein (p.Arg426Cys). The arginine residue is weakly conserved and there is a large physicochemical difference between arginine and cysteine. In summary, the available evidence is currently insufficient to determine the role of this variant in disease. Therefore, it has been classified as a Variant of Uncertain Significance. Algorithms developed to predict the effect of missense changes on protein structure and function are either unavailable or do not agree on the potential impact of this missense change (SIFT: "Deleterious"; PolyPhen-2: "Probably Damaging"; Align-GVGD: "Class C15"). This variant has not been reported in the literature in individuals with SLC52A3-related conditions. This variant is present in population databases (rs780025944, ExAC 0.005%).